The following is an entry in ClinVar:

NM_000807.4(GABRA2):c.505C>A (p.His169Asn)

Gene: GABRA2 (gamma-aminobutyric acid type A receptor subunit alpha2; minus strand). Cytogenetic location: 4p12.
Variant type: single nucleotide variant.
Coding change: c.505C>A on transcript NM_000807.4 (MANE Select); coding-DNA position 505, C replaced by A.
Protein change: p.His169Asn; replaces histidine 169 with asparagine.
Molecular consequence: missense variant.
Genome position (GRCh38, 1-based): chr4:46,310,227, G>T on the plus strand (C>A on the coding strand, the complement: GABRA2 is on the minus strand). VCF-style: chr4-46310227-G-T. GRCh37 (hg19) VCF-style: chr4-46312244-G-T.
Other names: c.505C>A, p.His169Asn (NM_001377155.1, NM_001114175.3, NM_001330690.2 and 8 more transcripts); c.340C>A, p.His114Asn (NM_001286827.3, NM_001377152.1, NM_001377153.1 and 1 more transcripts); short protein forms H169N, H114N.
Identifiers: ClinVar variation 2898801 (VCV002898801.3), dbSNP rs2475679668, ClinGen allele CA356799035.

ClinVar aggregate classification (germline): Uncertain significance (1 of 4 stars; one submission).

gnomAD v4.1: 2 of 1,613,636 alleles (0.00012%); highest among the groups gnomAD compares: Non-Finnish European, 0.00017%; no homozygotes.

Submission:

Labcorp Genetics (formerly Invitae), Labcorp
Classification: Uncertain significance. Last evaluated: 2023-05-16. Review status: criteria provided, single submitter. Criteria: Invitae Variant Classification Sherloc (09022015). Collection method: clinical testing. Allele origin: germline.
Comment: In summary, the available evidence is currently insufficient to determine the role of this variant in disease. Therefore, it has been classified as a Variant of Uncertain Significance. An algorithm developed to predict the effect of missense changes on protein structure and function (PolyPhen-2) suggests that this variant is likely to be disruptive. This variant has not been reported in the literature in individuals affected with GABRA2-related conditions. This variant is not present in population databases (gnomAD no frequency). This sequence change replaces histidine, which is basic and polar, with asparagine, which is neutral and polar, at codon 169 of the GABRA2 protein (p.His169Asn).